The following is an entry in ClinVar:

NM_000593.6(TAP1):c.-59C>T

Gene: TAP1 (transporter 1, ATP binding cassette subfamily B member; minus strand). Cytogenetic location: 6p21.32.
Variant type: single nucleotide variant.
Coding change: c.-59C>T on transcript NM_000593.6 (MANE Select); 59 bases upstream of the start codon, C replaced by T.
Molecular consequence: 5 prime UTR variant.
Genome position (GRCh38, 1-based): chr6:32,853,695, G>A on the plus strand (C>T on the coding strand, the complement: TAP1 is on the minus strand). VCF-style: chr6-32853695-G-A. GRCh37 (hg19) VCF-style: chr6-32821472-G-A.
Other names: short protein forms P41L.
Identifiers: ClinVar variation 466376 (VCV000466376.9), dbSNP rs554237124, ClinGen allele CA3747103.

ClinVar aggregate classification (germline): Uncertain significance. Review status: criteria provided, multiple submitters, no conflicts (2 of 4 stars). 2 submissions from 2 submitters: Uncertain significance (2). Last evaluated 2022-07-26.

Conditions:
Inborn genetic diseases. Identifiers: MedGen C0950123, MeSH D030342.
MHC class I deficiency. Identifiers: Orphanet 34592, MedGen C6024714, MONDO:0011476.

Allele frequency attached by ClinVar (database versions not stated): ExAC below 0.00001; 1000 Genomes Project 30x 0.00031; 1000 Genomes Project 0.00020; TOPMed 0.00024; gnomAD 0.00022.

Submissions (2):

Labcorp Genetics (formerly Invitae), Labcorp
Classification: Uncertain significance for MHC class I deficiency 1. Last evaluated: 2022-07-26. Review status: criteria provided, single submitter. Criteria: Invitae Variant Classification Sherloc (09022015). Collection method: clinical testing. Allele origin: germline.
Comment: This sequence change replaces proline, which is neutral and non-polar, with leucine, which is neutral and non-polar, at codon 41 of the TAP1 protein (p.Pro41Leu). This variant is present in population databases (rs554237124, gnomAD 0.06%). This variant has not been reported in the literature in individuals affected with TAP1-related conditions. ClinVar contains an entry for this variant (Variation ID: 466376). Algorithms developed to predict the effect of missense changes on protein structure and function (SIFT, PolyPhen-2, Align-GVGD) all suggest that this variant is likely to be tolerated. In summary, the available evidence is currently insufficient to determine the role of this variant in disease. Therefore, it has been classified as a Variant of Uncertain Significance.

Ambry Genetics
Classification: Uncertain significance for Inborn genetic diseases. Last evaluated: 2022-01-10. Review status: criteria provided, single submitter. Criteria: Ambry Variant Classification Scheme 2023. Collection method: clinical testing. Allele origin: germline.